The following is an entry in ClinVar:

NM_001440.4(EXTL3):c.1415A>G (p.Tyr472Cys)

Gene: EXTL3 (exostosin like glycosyltransferase 3; plus strand). Cytogenetic location: 8p21.1.
Variant type: single nucleotide variant.
Coding change: c.1415A>G on transcript NM_001440.4 (MANE Select); coding-DNA position 1415, A replaced by G.
Protein change: p.Tyr472Cys; replaces tyrosine 472 with cysteine.
Molecular consequence: missense variant.
Genome position (GRCh38, 1-based): chr8:28,717,474, A>G. VCF-style: chr8-28717474-A-G. GRCh37 (hg19) VCF-style: chr8-28574991-A-G.
Other names: short protein forms Y472C.
Identifiers: ClinVar variation 1930559 (VCV001930559.5), dbSNP rs371239022, ClinGen allele CA174387206.
Genomic context (GRCh38, chr8:28,717,474, plus strand): 5'-TCGAAGCCCTGGAAGTCGGTGCCGTCCCGGTGGTGCTGGGGGAGCAGGTCCAGCTTCCCT[A>G]CCAGGACATGCTGCAGTGGAACGAGGCGGCCCTGGTGGTGCCAAAGCCTCGTGTTACCGA-3'
Protein context (NP_001431.1, residues 462-482): VVLGEQVQLP[Tyr472Cys]QDMLQWNEAA

ClinVar aggregate classification (germline): Uncertain significance (1 of 4 stars; one submission).

Allele frequency attached by ClinVar (database versions not stated): TOPMed below 0.00001; gnomAD 0.00001; ESP Exome Variant Server 0.00008.
gnomAD v4.1: 1 of 1,614,000 alleles (0.000062%); highest among the groups gnomAD compares: Non-Finnish European, 0.000085%; no homozygotes.

Submission:

Labcorp Genetics (formerly Invitae), Labcorp
Classification: Uncertain significance. Last evaluated: 2023-08-17. Review status: criteria provided, single submitter. Criteria: Invitae Variant Classification Sherloc (09022015). Collection method: clinical testing. Allele origin: germline.
Comment: This sequence change replaces tyrosine, which is neutral and polar, with cysteine, which is neutral and slightly polar, at codon 472 of the EXTL3 protein (p.Tyr472Cys). This variant is not present in population databases (gnomAD no frequency). This variant has not been reported in the literature in individuals affected with EXTL3-related conditions. ClinVar contains an entry for this variant (Variation ID: 1930559). Advanced modeling of protein sequence and biophysical properties (such as structural, functional, and spatial information, amino acid conservation, physicochemical variation, residue mobility, and thermodynamic stability) performed at Invitae indicates that this missense variant is not expected to disrupt EXTL3 protein function. In summary, the available evidence is currently insufficient to determine the role of this variant in disease. Therefore, it has been classified as a Variant of Uncertain Significance.